The following is an entry in ClinVar:

ClinVar aggregate classification (germline): Uncertain significance (1 of 4 stars; one submission).

Conditions:
Inborn genetic diseases. Identifiers: MedGen C0950123, MeSH D030342.

Submission:

Ambry Genetics
Classification: Uncertain significance for Inborn genetic diseases. Last evaluated: 2025-05-17. Review status: criteria provided, single submitter. Criteria: Ambry Variant Classification Scheme 2023. Collection method: clinical testing. Allele origin: germline.
Comment: The p.E1125K variant (also known as c.3373G>A), located in coding exon 15 of the MECOM gene, results from a G to A substitution at nucleotide position 3373. The glutamic acid at codon 1125 is replaced by lysine, an amino acid with similar properties. This amino acid position is conserved. In addition, this alteration is predicted to be tolerated by in silico analysis. Based on the available evidence, the clinical significance of this variant remains unclear.

NM_004991.4(MECOM):c.3373G>A (p.Glu1125Lys)

Gene: MECOM (MDS1 and EVI1 complex locus; minus strand). Cytogenetic location: 3q26.2.
Variant type: single nucleotide variant.
Coding change: c.3373G>A on transcript NM_004991.4 (MANE Select); coding-DNA position 3373, G replaced by A.
Protein change: p.Glu1125Lys; replaces glutamic acid 1125 with lysine.
Molecular consequence: missense variant.
Genome position (GRCh38, 1-based): chr3:169,090,028, C>T on the plus strand (G>A on the coding strand, the complement: MECOM is on the minus strand). VCF-style: chr3-169090028-C-T. GRCh37 (hg19) VCF-style: chr3-168807816-C-T.
Other names: c.3004G>A, p.Glu1002Lys (NM_001105077.4); c.2809G>A, p.Glu937Lys (NM_001105078.4, NM_001205194.2, NM_001366469.2 and 1 more transcripts); c.2785G>A, p.Glu929Lys (NM_001163999.2, NM_001366470.2); c.2782G>A, p.Glu928Lys (NM_001164000.2, NM_001366471.2, NM_001366472.2); c.3346G>A, p.Glu1116Lys (NM_001366466.2); c.2812G>A, p.Glu938Lys (NM_001366467.2, NM_001366468.2); c.2374G>A, p.Glu792Lys (NM_001366473.2); c.1810G>A, p.Glu604Lys (NM_001366474.2); short protein forms E1125K, E937K, E1002K, E604K, E792K, E928K, E929K, E938K.
Identifiers: ClinVar variation 4053258 (VCV004053258.1).